The following is an entry in ClinVar:

NM_033026.6(PCLO):c.4900G>A (p.Asp1634Asn)

Gene: PCLO (piccolo presynaptic cytomatrix protein; minus strand). Cytogenetic location: 7q21.11.
Variant type: single nucleotide variant.
Coding change: c.4900G>A on transcript NM_033026.6 (MANE Select); coding-DNA position 4900, G replaced by A.
Protein change: p.Asp1634Asn; replaces aspartic acid 1634 with asparagine.
Molecular consequence: missense variant.
Genome position (GRCh38, 1-based): chr7:82,956,053, C>T on the plus strand (G>A on the coding strand, the complement: PCLO is on the minus strand). VCF-style: chr7-82956053-C-T. GRCh37 (hg19) VCF-style: chr7-82585369-C-T.
Other names: c.4900G>A, p.Asp1634Asn (NM_014510.3); c.4900G>A (NM_033026.5); short protein forms D1634N.
Identifiers: ClinVar variation 1111492 (VCV001111492.12), dbSNP rs75707968, ClinGen allele CA4320740.

ClinVar aggregate classification (germline): Likely benign. Review status: criteria provided, multiple submitters, no conflicts (2 of 4 stars). 3 submissions from 3 submitters: Likely benign (2). 1 of the submissions does not count toward it. Last evaluated 2026-02-02.

Conditions:
PCLO-related disorder. Also called: PCLO-related condition.
Inborn genetic diseases. Identifiers: MedGen C0950123, MeSH D030342.

Allele frequency attached by ClinVar (database versions not stated): gnomAD exomes 0.00012 and 0.00023; ExAC 0.00033; ESP Exome Variant Server 0.00073; gnomAD 0.00109 and 0.00116; TOPMed 0.00121; 1000 Genomes Project 30x 0.00141; 1000 Genomes Project 0.00180.
gnomAD v4.1: 347 of 1,612,754 alleles (0.022%); highest among the groups gnomAD compares: African/African-American, 0.41%; 1 homozygote.

Submissions (3):

Labcorp Genetics (formerly Invitae), Labcorp
Classification: Likely benign. Last evaluated: 2026-02-02. Review status: criteria provided, single submitter. Criteria: Invitae Variant Classification Sherloc (09022015). Collection method: clinical testing. Allele origin: germline.

Ambry Genetics
Classification: Likely benign for Inborn genetic diseases. Last evaluated: 2025-08-02. Review status: criteria provided, single submitter. Criteria: Ambry Variant Classification Scheme 2023. Collection method: clinical testing. Allele origin: germline.

PreventionGenetics, part of Exact Sciences
Classification: Likely benign for PCLO-related condition. Last evaluated: 2023-07-05. Review status: no assertion criteria provided. Collection method: clinical testing. Allele origin: germline. Not counted in ClinVar's aggregate classification.
Comment: This variant is classified as likely benign based on ACMG/AMP sequence variant interpretation guidelines (Richards et al. 2015 PMID: 25741868, with internal and published modifications).